The following is an entry in ClinVar:

NM_001388308.1(KIF12):c.1249G>A (p.Ala417Thr)

Gene: KIF12 (kinesin family member 12; minus strand). Cytogenetic location: 9q32.
Variant type: single nucleotide variant.
Coding change: c.1249G>A on transcript NM_001388308.1 (MANE Select); coding-DNA position 1249, G replaced by A.
Protein change: p.Ala417Thr; replaces alanine 417 with threonine.
Molecular consequence: missense variant.
Genome position (GRCh38, 1-based): chr9:114,094,245, C>T on the plus strand (G>A on the coding strand, the complement: KIF12 is on the minus strand). VCF-style: chr9-114094245-C-T. GRCh37 (hg19) VCF-style: chr9-116856525-C-T.
Other names: c.835G>A, p.Ala279Thr (NM_138424.2); c.835G>A (NM_138424.1); short protein forms A279T, A417T.
Identifiers: ClinVar variation 2897359 (VCV002897359.2), dbSNP rs377685500, ClinGen allele CA5200562.

ClinVar aggregate classification (germline): Uncertain significance. Review status: criteria provided, multiple submitters, no conflicts (2 of 4 stars). 2 submissions from 2 submitters: Uncertain significance (2). Last evaluated 2025-05-13.

Conditions:
Inborn genetic diseases. Identifiers: MedGen C0950123, MeSH D030342.

Allele frequency attached by ClinVar (database versions not stated): gnomAD exomes 0.00001; ExAC 0.00002; gnomAD 0.00005; TOPMed 0.00005; ESP Exome Variant Server 0.00008.
gnomAD v4.1: 12 of 1,613,924 alleles (0.00074%); highest among the groups gnomAD compares: African/African-American, 0.013%; no homozygotes.

Submissions (2):

Ambry Genetics
Classification: Uncertain significance for Inborn genetic diseases. Last evaluated: 2025-05-13. Review status: criteria provided, single submitter. Criteria: Ambry Variant Classification Scheme 2023. Collection method: clinical testing. Allele origin: germline.

Labcorp Genetics (formerly Invitae), Labcorp
Classification: Uncertain significance. Last evaluated: 2023-10-16. Review status: criteria provided, single submitter. Criteria: Invitae Variant Classification Sherloc (09022015). Collection method: clinical testing. Allele origin: germline.
Comment: This sequence change replaces alanine, which is neutral and non-polar, with threonine, which is neutral and polar, at codon 279 of the KIF12 protein (p.Ala279Thr). This variant is present in population databases (rs377685500, gnomAD 0.02%). This variant has not been reported in the literature in individuals affected with KIF12-related conditions. An algorithm developed to predict the effect of missense changes on protein structure and function (PolyPhen-2) suggests that this variant¬†is likely to be tolerated. In summary, the available evidence is currently insufficient to determine the role of this variant in disease. Therefore, it has been classified as a Variant of Uncertain Significance.